The following is an entry in ClinVar:

NM_004360.5(CDH1):c.2141T>A (p.Leu714His)

Gene: CDH1 (cadherin 1; plus strand). Cytogenetic location: 16q22.1.
Variant type: single nucleotide variant.
Coding change: c.2141T>A on transcript NM_004360.5 (MANE Select); coding-DNA position 2141, T replaced by A.
Protein change: p.Leu714His; replaces leucine 714 with histidine.
Molecular consequence: missense variant.
Genome position (GRCh38, 1-based): chr16:68,823,603, T>A. VCF-style: chr16-68823603-T-A. GRCh37 (hg19) VCF-style: chr16-68857506-T-A.
Other names: c.1958T>A, p.Leu653His (NM_001317184.2); c.593T>A, p.Leu198His (NM_001317185.2); c.176T>A, p.Leu59His (NM_001317186.2); short protein forms L653H, L198H, L714H, L59H.
Identifiers: ClinVar variation 2700298 (VCV002700298.4), dbSNP rs2152139650, ClinGen allele CA396467929.

ClinVar aggregate classification (germline): Uncertain significance. Review status: criteria provided, multiple submitters, no conflicts (2 of 4 stars). 2 submissions from 2 submitters: Uncertain significance (2). Last evaluated 2025-08-14.

Conditions:
Hereditary diffuse gastric adenocarcinoma (HDGC). Also called: DIFFUSE GASTRIC AND LOBULAR BREAST CANCER SYNDROME. Identifiers: Orphanet 26106, MedGen C1708349, MONDO:0007648, OMIM 137215.
Hereditary cancer-predisposing syndrome. Also called: Hereditary Cancer Syndrome; Hereditary neoplastic syndrome; Neoplastic Syndromes, Hereditary; Tumor predisposition. Identifiers: Orphanet 140162, MedGen C0027672, MeSH D009386, MONDO:0015356.

Submissions (2):

Labcorp Genetics (formerly Invitae), Labcorp
Classification: Uncertain significance for Hereditary diffuse gastric adenocarcinoma. Last evaluated: 2025-08-14. Review status: criteria provided, single submitter. Criteria: Invitae Variant Classification Sherloc (09022015). Collection method: clinical testing. Allele origin: germline.
Comment: This sequence change replaces leucine, which is neutral and non-polar, with histidine, which is basic and polar, at codon 714 of the CDH1 protein (p.Leu714His). This variant is not present in population databases (gnomAD no frequency). This variant has not been reported in the literature in individuals affected with CDH1-related conditions. ClinVar contains an entry for this variant (Variation ID: 2700298). An algorithm developed to predict the effect of missense changes on protein structure and function (PolyPhen-2) suggests that this variant is likely to be disruptive. In summary, the available evidence is currently insufficient to determine the role of this variant in disease. Therefore, it has been classified as a Variant of Uncertain Significance.

Ambry Genetics
Classification: Uncertain significance for Hereditary cancer-predisposing syndrome. Last evaluated: 2025-06-29. Review status: criteria provided, single submitter. Criteria: Ambry Variant Classification Scheme 2023. Collection method: clinical testing. Allele origin: germline.
Comment: The p.L714H variant (also known as c.2141T>A), located in coding exon 13 of the CDH1 gene, results from a T to A substitution at nucleotide position 2141. The leucine at codon 714 is replaced by histidine, an amino acid with similar properties. This amino acid position is conserved. In addition, this alteration is predicted to be deleterious by in silico analysis. Based on the available evidence, the clinical significance of this variant remains unclear.